The following is an entry in ClinVar:

NM_000038.6(APC):c.4201A>G (p.Ile1401Val)

Gene: APC (APC regulator of Wnt signaling pathway; plus strand). Cytogenetic location: 5q22.2.
Variant type: single nucleotide variant.
Coding change: c.4201A>G on transcript NM_000038.6 (MANE Select); coding-DNA position 4201, A replaced by G.
Protein change: p.Ile1401Val; replaces isoleucine 1401 with valine.
Molecular consequence: missense variant.
Genome position (GRCh38, 1-based): chr5:112,839,795, A>G. VCF-style: chr5-112839795-A-G. GRCh37 (hg19) VCF-style: chr5-112175492-A-G.
Other names: c.4201A>G, p.Ile1401Val (NM_001127510.3, NM_001354895.2); c.4147A>G, p.Ile1383Val (NM_001127511.3); c.4255A>G, p.Ile1419Val (NM_001354896.2); c.4231A>G, p.Ile1411Val (NM_001354897.2); c.4126A>G, p.Ile1376Val (NM_001354898.2); c.4117A>G, p.Ile1373Val (NM_001354899.2); c.4078A>G, p.Ile1360Val (NM_001354900.2); c.4024A>G, p.Ile1342Val (NM_001354901.2); and 5 more; short protein forms I1383V, I1401V, I1241V, I1342V, I1419V, I1118V, I1275V, I1300V.
Identifiers: ClinVar variation 469953 (VCV000469953.22), dbSNP rs1554085612, ClinGen allele CA16030538.

ClinVar aggregate classification (germline): Uncertain significance. Review status: criteria provided, multiple submitters, no conflicts (2 of 4 stars). 6 submissions from 6 submitters: Uncertain significance (6). Last evaluated 2025-09-17.

Conditions:
Familial adenomatous polyposis 1 (FAP1). Also called: POLYPOSIS, ADENOMATOUS INTESTINAL; FAMILIAL ADENOMATOUS POLYPOSIS 1, ATTENUATED. Identifiers: MedGen C2713442, MONDO:0021056, OMIM 175100. Disease mechanism: loss of function.
APC-Associated Polyposis Disorders.
Hereditary cancer-predisposing syndrome. Also called: Hereditary neoplastic syndrome; Neoplastic Syndromes, Hereditary; Tumor predisposition; Hereditary Cancer Syndrome. Identifiers: Orphanet 140162, MedGen C0027672, MeSH D009386, MONDO:0015356.

Allele frequency attached by ClinVar (database versions not stated): gnomAD exomes 0.00002.
gnomAD v4.1: 15 of 1,614,102 alleles (0.00093%); highest among the groups gnomAD compares: Non-Finnish European, 0.0013%; no homozygotes.

Submissions (6):

Color Diagnostics, LLC DBA Color Health
Classification: Uncertain significance for Hereditary cancer-predisposing syndrome. Last evaluated: 2025-09-17. Review status: criteria provided, single submitter. Criteria: ACMG Guidelines, 2015. Collection method: clinical testing. Allele origin: germline.
Comment: This missense variant replaces isoleucine with valine at codon 1401 of the APC protein. Computational prediction suggests that this variant may not impact protein structure and function. APC is defined as a gene for which primarily truncating variants are known to cause disease (ClinGen HCCP VCEP). To our knowledge, functional studies have not been reported for this variant. This variant has not been reported in individuals affected with APC-related disorders in the literature. This variant has not been identified in the general population by the Genome Aggregation Database (gnomAD). The available evidence is insufficient to determine the role of this variant in disease conclusively. Therefore, this variant is classified as a Variant of Uncertain Significance.

Labcorp Genetics (formerly Invitae), Labcorp
Classification: Uncertain significance for Familial adenomatous polyposis 1. Last evaluated: 2025-05-21. Review status: criteria provided, single submitter. Criteria: Invitae Variant Classification Sherloc (09022015). Collection method: clinical testing. Allele origin: germline.
Comment: This sequence change replaces isoleucine, which is neutral and non-polar, with valine, which is neutral and non-polar, at codon 1401 of the APC protein (p.Ile1401Val). This variant is not present in population databases (gnomAD no frequency). This variant has not been reported in the literature in individuals affected with APC-related conditions. ClinVar contains an entry for this variant (Variation ID: 469953). Invitae Evidence Modeling of protein sequence and biophysical properties (such as structural, functional, and spatial information, amino acid conservation, physicochemical variation, residue mobility, and thermodynamic stability) indicates that this missense variant is not expected to disrupt APC protein function with a negative predictive value of 95%. In summary, the available evidence is currently insufficient to determine the role of this variant in disease. Therefore, it has been classified as a Variant of Uncertain Significance.

Quest Diagnostics Nichols Institute San Juan Capistrano
Classification: Uncertain significance. Last evaluated: 2025-01-10. Review status: criteria provided, single submitter. Criteria: Quest Diagnostics criteria. Collection method: clinical testing. Allele origin: unknown.
Comment: The APC c.4201A>G (p.Ile1401Val) variant has not been reported in individuals with APC-related conditions in the published literature. It also has not been reported in large, multi-ethnic general populations (Genome Aggregation Database). Analysis of this variant using bioinformatics tools for the prediction of the effect of amino acid changes on protein structure and function yielded conflicting predictions that this variant is benign or damaging. Based on the available information, we are unable to determine the clinical significance of this variant.

Ambry Genetics
Classification: Uncertain significance for Hereditary cancer-predisposing syndrome. Last evaluated: 2024-08-17. Review status: criteria provided, single submitter. Criteria: Ambry Variant Classification Scheme 2023. Collection method: clinical testing. Allele origin: germline.
Comment: The p.I1401V variant (also known as c.4201A>G), located in coding exon 15 of the APC gene, results from an A to G substitution at nucleotide position 4201. The isoleucine at codon 1401 is replaced by valine, an amino acid with highly similar properties. This amino acid position is highly conserved in available vertebrate species. In addition, in silico predictors for this gene do not accurately predict pathogenicity. Since supporting evidence is limited at this time, the clinical significance of this alteration remains unclear.

Baylor Genetics
Classification: Uncertain significance for Familial adenomatous polyposis 1. Last evaluated: 2023-10-10. Review status: criteria provided, single submitter. Criteria: ACMG Guidelines, 2015. Collection method: clinical testing. Allele origin: unknown.

Illumina Laboratory Services, Illumina
Classification: Uncertain significance for APC-Associated Polyposis Disorders. Last evaluated: 2018-01-13. Review status: criteria provided, single submitter. Criteria: ICSL Variant Classification Criteria 13 December 2019. Collection method: clinical testing. Allele origin: germline.